The following is an entry in ClinVar:

NM_001385012.1(NBEA):c.6422A>G (p.Gln2141Arg)

Gene: NBEA (neurobeachin; plus strand). Cytogenetic location: 13q13.3.
Variant type: single nucleotide variant.
Coding change: c.6422A>G on transcript NM_001385012.1 (MANE Select); coding-DNA position 6422, A replaced by G.
Protein change: p.Gln2141Arg; replaces glutamine 2141 with arginine.
Molecular consequence: missense variant.
Genome position (GRCh38, 1-based): chr13:35,452,209, A>G. VCF-style: chr13-35452209-A-G. GRCh37 (hg19) VCF-style: chr13-36026346-A-G.
Other names: p.Gln2141Arg; c.6413A>G, p.Gln2138Arg (NM_001379245.1); c.6422A>G, p.Gln2141Arg (NM_015678.5); short protein forms Q2138R, Q2141R.
Identifiers: ClinVar variation 4117113 (VCV004117113.2).

ClinVar aggregate classification (germline): Uncertain significance. Review status: criteria provided, multiple submitters, no conflicts (2 of 4 stars). 2 submissions from 2 submitters: Uncertain significance (2). Last evaluated 2025-10-23.

Conditions:
Inborn genetic diseases. Identifiers: MedGen C0950123, MeSH D030342.

gnomAD v4.1: 3 of 1,589,698 alleles (0.00019%); highest among the groups gnomAD compares: Non-Finnish European, 0.00026%; no homozygotes.

Submissions (2):

Mayo Clinic Laboratories, Mayo Clinic
Classification: Uncertain significance. Last evaluated: 2025-10-23. Review status: criteria provided, single submitter. Criteria: ACMG Guidelines, 2015. Collection method: clinical testing. Allele origin: germline. Observed: 1 variant allele.
Comment: BP4, PP2, PM2_supporting

Ambry Genetics
Classification: Uncertain significance for Inborn genetic diseases. Last evaluated: 2025-06-29. Review status: criteria provided, single submitter. Criteria: Ambry Variant Classification Scheme 2023. Collection method: clinical testing. Allele origin: germline.